The following is an entry in ClinVar:

NM_014159.7(SETD2):c.96T>A (p.Ile32=)

Gene: SETD2 (SET domain containing 2, histone lysine methyltransferase; minus strand). Cytogenetic location: 3p21.31.
Variant type: single nucleotide variant.
Coding change: c.96T>A on transcript NM_014159.7 (MANE Select); coding-DNA position 96, T replaced by A.
Protein change: p.Ile32=; no amino-acid change (isoleucine 32 retained).
Molecular consequence: synonymous variant. On other transcripts: 5 prime UTR variant (1), non-coding transcript variant (1).
Genome position (GRCh38, 1-based): chr3:47,124,540, A>T on the plus strand (T>A on the coding strand, the complement: SETD2 is on the minus strand). VCF-style: chr3-47124540-A-T. GRCh37 (hg19) VCF-style: chr3-47166030-A-T.
Other names: c.-37T>A (NM_001349370.3).
Identifiers: ClinVar variation 4874584 (VCV004874584.2).

ClinVar aggregate classification (germline): Likely benign (1 of 4 stars; one submission).

gnomAD v4.1: 4 of 1,539,808 alleles (0.00026%); highest among the groups gnomAD compares: Non-Finnish European, 0.00035%; no homozygotes.

Submission:

CeGaT Center for Human Genetics Tuebingen
Classification: Likely benign. Last evaluated: 2026-04-01. Review status: criteria provided, single submitter. Criteria: CeGaT Center For Human Genetics Tuebingen Variant Classification Criteria Version 2. Collection method: clinical testing. Allele origin: germline. Affected: yes. Observed: 1 variant allele.
Comment: SETD2: BP4, BP7